The following is an entry in ClinVar:

ClinVar aggregate classification (germline): Uncertain significance (1 of 4 stars; one submission).

Conditions:
Renal cell carcinoma. Identifiers: Orphanet 217071, MedGen C0007134, MeSH D002292, MONDO:0005086, HP:0005584.

Allele frequency attached by ClinVar (database versions not stated): gnomAD exomes below 0.00001; TOPMed below 0.00001; gnomAD 0.00001.
gnomAD v4.1: 2 of 1,614,036 alleles (0.00012%); highest among the groups gnomAD compares: Non-Finnish European, 0.00017%; no homozygotes.

Submission:

Labcorp Genetics (formerly Invitae), Labcorp
Classification: Uncertain significance for Renal cell carcinoma. Last evaluated: 2023-06-30. Review status: criteria provided, single submitter. Criteria: Invitae Variant Classification Sherloc (09022015). Collection method: clinical testing. Allele origin: germline.
Comment: ClinVar contains an entry for this variant (Variation ID: 411916). This variant has not been reported in the literature in individuals affected with MET-related conditions. This variant is not present in population databases (gnomAD no frequency). This sequence change replaces isoleucine, which is neutral and non-polar, with valine, which is neutral and non-polar, at codon 1358 of the MET protein (p.Ile1358Val). Advanced modeling of protein sequence and biophysical properties (such as structural, functional, and spatial information, amino acid conservation, physicochemical variation, residue mobility, and thermodynamic stability) performed at Invitae indicates that this missense variant is not expected to disrupt MET protein function. In summary, the available evidence is currently insufficient to determine the role of this variant in disease. Therefore, it has been classified as a Variant of Uncertain Significance.

NM_000245.4(MET):c.4018A>G (p.Ile1340Val)

Gene: MET (MET proto-oncogene, receptor tyrosine kinase; plus strand). Cytogenetic location: 7q31.2.
Variant type: single nucleotide variant.
Coding change: c.4018A>G on transcript NM_000245.4 (MANE Select); coding-DNA position 4018, A replaced by G.
Protein change: p.Ile1340Val; replaces isoleucine 1340 with valine.
Molecular consequence: missense variant.
Genome position (GRCh38, 1-based): chr7:116,795,969, A>G. VCF-style: chr7-116795969-A-G. GRCh37 (hg19) VCF-style: chr7-116436023-A-G.
Other names: c.4072A>G (LRG_662t1); c.4072A>G, p.Ile1358Val (NM_001127500.3); c.2728A>G, p.Ile910Val (NM_001324402.2); short protein forms I1358V, I1340V, I910V.
Identifiers: ClinVar variation 411916 (VCV000411916.10), dbSNP rs1060503543, ClinGen allele CA16612009.
Genomic context (GRCh38, chr7:116,795,969, plus strand): 5'-TGGCACCCTAAAGCCGAAATGCGCCCATCCTTTTCTGAACTGGTGTCCCGGATATCAGCG[A>G]TCTTCTCTACTTTCATTGGGGAGCACTATGTCCATGTGAACGCTACTTATGTGAACGTAA-3'
Protein context (NP_000236.2, residues 1330-1350): FSELVSRISA[Ile1340Val]FSTFIGEHYV